The following is an entry in ClinVar:

NM_018136.5(ASPM):c.4157C>T (p.Ala1386Val)

Gene: ASPM (assembly factor for spindle microtubules; minus strand). Cytogenetic location: 1q31.3.
Variant type: single nucleotide variant.
Coding change: c.4157C>T on transcript NM_018136.5 (MANE Select); coding-DNA position 4157, C replaced by T.
Protein change: p.Ala1386Val; replaces alanine 1386 with valine.
Molecular consequence: missense variant. On other transcripts: intron variant (1).
Genome position (GRCh38, 1-based): chr1:197,105,094, G>A on the plus strand (C>T on the coding strand, the complement: ASPM is on the minus strand). VCF-style: chr1-197105094-G-A. GRCh37 (hg19) VCF-style: chr1-197074224-G-A.
Other names: c.4066-8930C>T (NM_001206846.2); c.4157C>T (NM_018136.4); short protein forms A1386V.
Identifiers: ClinVar variation 2180478 (VCV002180478.8), dbSNP rs376642620, ClinGen allele CA1309974.
Genomic context (GRCh38, chr1:197,105,094, plus strand): 5'-GCACGCCAATGCCTCTGAATTGTAACTGTAGCCCAAAGATATCGTTTATAAGATGTAACA[G>A]CAATTATCATTCTTATCCTAGATTGCAGGATGATTGAATAATATTTCAATTTCAGAAATC-3'
Protein context (NP_060606.3, residues 1376-1396): ILQSRIRMII[Ala1386Val]VTSYKRYLWA

ClinVar aggregate classification (germline): Uncertain significance. Review status: criteria provided, multiple submitters, no conflicts (2 of 4 stars). 4 submissions from 4 submitters: Uncertain significance (4). Last evaluated 2025-10-18.

Conditions:
ASPM-related disorder. Also called: ASPM-related condition.
Microcephaly 5, primary, autosomal recessive (MCPH5). Also called: ASPM Primary Microcephaly. Identifiers: Orphanet 2512, MedGen C1837501, MONDO:0012106, OMIM 608716.
Inborn genetic diseases. Identifiers: MedGen C0950123, MeSH D030342.

Allele frequency attached by ClinVar (database versions not stated): ExAC 0.00003; gnomAD 0.00004; TOPMed 0.00008.
gnomAD v4.1: 22 of 1,608,574 alleles (0.0014%); highest among the groups gnomAD compares: African/African-American, 0.021%; no homozygotes.

Submissions (4):

Ambry Genetics
Classification: Uncertain significance for Inborn genetic diseases. Last evaluated: 2025-10-18. Review status: criteria provided, single submitter. Criteria: Ambry Variant Classification Scheme 2023. Collection method: clinical testing. Allele origin: germline.

Labcorp Genetics (formerly Invitae), Labcorp
Classification: Uncertain significance. Last evaluated: 2025-07-14. Review status: criteria provided, single submitter. Criteria: Invitae Variant Classification Sherloc (09022015). Collection method: clinical testing. Allele origin: germline.
Comment: This sequence change replaces alanine, which is neutral and non-polar, with valine, which is neutral and non-polar, at codon 1386 of the ASPM protein (p.Ala1386Val). This variant is present in population databases (rs376642620, gnomAD 0.03%). This variant has not been reported in the literature in individuals affected with ASPM-related conditions. ClinVar contains an entry for this variant (Variation ID: 2180478). Invitae Evidence Modeling of protein sequence and biophysical properties (such as structural, functional, and spatial information, amino acid conservation, physicochemical variation, residue mobility, and thermodynamic stability) has been performed for this missense variant. However, the output from this modeling did not meet the statistical confidence thresholds required to predict the impact of this variant on ASPM protein function. In summary, the available evidence is currently insufficient to determine the role of this variant in disease. Therefore, it has been classified as a Variant of Uncertain Significance.

PreventionGenetics, part of Exact Sciences
Classification: Uncertain significance for ASPM-related condition. Last evaluated: 2024-11-25. Review status: criteria provided, single submitter. Criteria: ACMG Guidelines, 2015. Collection method: clinical testing. Allele origin: germline.
Comment: The ASPM c.4157C>T variant is predicted to result in the amino acid substitution p.Ala1386Val. To our knowledge, this variant has not been reported in the literature. This variant is reported in 0.025% of alleles in individuals of African descent in gnomAD. At this time, the clinical significance of this variant is uncertain due to the absence of conclusive functional and genetic evidence.

Genome-Nilou Lab
Classification: Uncertain significance for Microcephaly 5, primary, autosomal recessive. Last evaluated: 2023-04-11. Review status: criteria provided, single submitter. Criteria: ACMG Guidelines, 2015. Collection method: clinical testing. Allele origin: germline. Affected: no.